The following is an entry in ClinVar:

NM_020680.4(SCYL1):c.634A>C (p.Ile212Leu)

Gene: SCYL1 (SCY1 like pseudokinase 1; plus strand). Cytogenetic location: 11q13.1.
Variant type: single nucleotide variant.
Coding change: c.634A>C on transcript NM_020680.4 (MANE Select); coding-DNA position 634, A replaced by C.
Protein change: p.Ile212Leu; replaces isoleucine 212 with leucine.
Molecular consequence: missense variant.
Genome position (GRCh38, 1-based): chr11:65,526,814, A>C. VCF-style: chr11-65526814-A-C. GRCh37 (hg19) VCF-style: chr11-65294285-A-C.
Other names: c.634A>C, p.Ile212Leu (NM_001048218.2, NM_001411022.1); short protein forms I212L.
Identifiers: ClinVar variation 2171423 (VCV002171423.3), dbSNP rs200408408, ClinGen allele CA6099561.
Genomic context (GRCh38, chr11:65,526,814, plus strand): 5'-GCCCTAAGAGCTCTGGGTCACTGCCACAGGTCAGCAGACATGTGGCGCTTGGGCTGCCTC[A>C]TTTGGGAAGTCTTCAATGGGCCCCTACCTCGGGCAGCAGCCCTACGCAACCCTGGGAAGG-3'
Protein context (NP_065731.3, residues 202-222): SADMWRLGCL[Ile212Leu]WEVFNGPLPR

ClinVar aggregate classification (germline): Uncertain significance. Review status: criteria provided, multiple submitters, no conflicts (2 of 4 stars). 2 submissions from 2 submitters: Uncertain significance (2). Last evaluated 2025-11-30.

Conditions:
Inborn genetic diseases. Identifiers: MedGen C0950123, MeSH D030342.

Allele frequency attached by ClinVar (database versions not stated): TOPMed 0.00020; gnomAD exomes 0.00028; ExAC 0.00029; ESP Exome Variant Server 0.00033; gnomAD 0.00044.
gnomAD v4.1: 477 of 1,612,936 alleles (0.03%); highest among the groups gnomAD compares: Non-Finnish European, 0.037%; no homozygotes.

Submissions (2):

Labcorp Genetics (formerly Invitae), Labcorp
Classification: Uncertain significance. Last evaluated: 2025-11-30. Review status: criteria provided, single submitter. Criteria: Invitae Variant Classification Sherloc (09022015). Collection method: clinical testing. Allele origin: germline.
Comment: This sequence change replaces isoleucine, which is neutral and non-polar, with leucine, which is neutral and non-polar, at codon 212 of the SCYL1 protein (p.Ile212Leu). This variant is present in population databases (rs200408408, gnomAD 0.08%). This variant has not been reported in the literature in individuals affected with SCYL1-related conditions. ClinVar contains an entry for this variant (Variation ID: 2171423). An algorithm developed to predict the effect of missense changes on protein structure and function (PolyPhen-2) suggests that this variant is likely to be tolerated. In summary, the available evidence is currently insufficient to determine the role of this variant in disease. Therefore, it has been classified as a Variant of Uncertain Significance.

Ambry Genetics
Classification: Uncertain significance for Inborn genetic diseases. Last evaluated: 2021-06-06. Review status: criteria provided, single submitter. Criteria: Ambry Variant Classification Scheme 2023. Collection method: clinical testing. Allele origin: germline.